The following is an entry in ClinVar:

NM_032444.4(SLX4):c.4990G>A (p.Gly1664Ser)

Gene: SLX4 (SLX4 structure-specific endonuclease subunit; minus strand). Cytogenetic location: 16p13.3.
Variant type: single nucleotide variant.
Coding change: c.4990G>A on transcript NM_032444.4 (MANE Select); coding-DNA position 4990, G replaced by A.
Protein change: p.Gly1664Ser; replaces glycine 1664 with serine.
Molecular consequence: missense variant.
Genome position (GRCh38, 1-based): chr16:3,583,260, C>T on the plus strand (G>A on the coding strand, the complement: SLX4 is on the minus strand). VCF-style: chr16-3583260-C-T. GRCh37 (hg19) VCF-style: chr16-3633261-C-T.
Other names: short protein forms G1664S.
Identifiers: ClinVar variation 2194149 (VCV002194149.4), dbSNP rs2040463482, ClinGen allele CA394514966.

ClinVar aggregate classification (germline): Uncertain significance (1 of 4 stars; one submission).

Conditions:
Fanconi anemia (FA). Also called: Fanconi's anemia. Identifiers: Orphanet 84, MedGen C0015625, MeSH D005199, MONDO:0019391.

Allele frequency attached by ClinVar (database versions not stated): gnomAD exomes below 0.00001; TOPMed below 0.00001.

Submission:

Labcorp Genetics (formerly Invitae), Labcorp
Classification: Uncertain significance for Fanconi anemia. Last evaluated: 2022-07-12. Review status: criteria provided, single submitter. Criteria: Invitae Variant Classification Sherloc (09022015). Collection method: clinical testing. Allele origin: germline.
Comment: This sequence change replaces glycine, which is neutral and non-polar, with serine, which is neutral and polar, at codon 1664 of the SLX4 protein (p.Gly1664Ser). This variant is not present in population databases (gnomAD no frequency). In summary, the available evidence is currently insufficient to determine the role of this variant in disease. Therefore, it has been classified as a Variant of Uncertain Significance. Algorithms developed to predict the effect of missense changes on protein structure and function output the following: SIFT: "Tolerated"; PolyPhen-2: "Benign"; Align-GVGD: "Class C0". The serine amino acid residue is found in multiple mammalian species, which suggests that this missense change does not adversely affect protein function. This variant has not been reported in the literature in individuals affected with SLX4-related conditions.